The following is an entry in ClinVar:

NM_001365999.1(SZT2):c.2024C>T (p.Pro675Leu)

Gene: SZT2 (SZT2 subunit of KICSTOR complex; plus strand). Cytogenetic location: 1p34.2.
Variant type: single nucleotide variant.
Coding change: c.2024C>T on transcript NM_001365999.1 (MANE Select); coding-DNA position 2024, C replaced by T.
Protein change: p.Pro675Leu; replaces proline 675 with leucine.
Molecular consequence: missense variant.
Genome position (GRCh38, 1-based): chr1:43,422,870, C>T. VCF-style: chr1-43422870-C-T. GRCh37 (hg19) VCF-style: chr1-43888541-C-T.
Other names: c.2024C>T, p.Pro675Leu (NM_015284.4); short protein forms P675L.
Identifiers: ClinVar variation 411927 (VCV000411927.11), dbSNP rs746291888, ClinGen allele CA808585.
Genomic context (GRCh38, chr1:43,422,870, plus strand): 5'-TCATTTCCAAGGCCCCATGCATGGTTCTTCGCCTGGGTTTTCCCATTGGCACACCAGCAC[C>T]GGCCCGGCACAAGGTAAGCTGGGCCCTGACTGACTCTGACCAAGGAGCCCTAGGGTGTAG-3'
Protein context (NP_001352928.1, residues 665-685): RLGFPIGTPA[Pro675Leu]ARHKIVSGLR

ClinVar aggregate classification (germline): Uncertain significance (1 of 4 stars; one submission).

Allele frequency attached by ClinVar (database versions not stated): gnomAD below 0.00001 and 0.00001; gnomAD exomes 0.00002 and 0.00004; ExAC 0.00005.
gnomAD v4.1: 23 of 1,585,862 alleles (0.0015%); highest among the groups gnomAD compares: East Asian, 0.029%; no homozygotes.

Submission:

Labcorp Genetics (formerly Invitae), Labcorp
Classification: Uncertain significance. Last evaluated: 2020-07-30. Review status: criteria provided, single submitter. Criteria: Invitae Variant Classification Sherloc (09022015). Collection method: clinical testing. Allele origin: germline.
Comment: In summary, the available evidence is currently insufficient to determine the role of this variant in disease. Therefore, it has been classified as a Variant of Uncertain Significance. Algorithms developed to predict the effect of missense changes on protein structure and function (SIFT, PolyPhen-2, Align-GVGD) all suggest that this variant is likely to be tolerated, but these predictions have not been confirmed by published functional studies and their clinical significance is uncertain. This variant has not been reported in the literature in individuals with SZT2-related disease. ClinVar contains an entry for this variant (Variation ID: 411927). This variant is present in population databases (rs746291888, ExAC 0.03%). This sequence change replaces proline with leucine at codon 675 of the SZT2 protein (p.Pro675Leu). The proline residue is weakly conserved and there is a moderate physicochemical difference between proline and leucine.